The following is an entry in ClinVar:

ClinVar aggregate classification (germline): Uncertain significance (1 of 4 stars; one submission).

gnomAD v4.1: 4 of 1,614,096 alleles (0.00025%); highest among the groups gnomAD compares: Non-Finnish European, 0.00034%; no homozygotes.

Submission:

Labcorp Genetics (formerly Invitae), Labcorp
Classification: Uncertain significance. Last evaluated: 2024-07-14. Review status: criteria provided, single submitter. Criteria: Invitae Variant Classification Sherloc (09022015). Collection method: clinical testing. Allele origin: germline.
Comment: This sequence change replaces glutamic acid, which is acidic and polar, with aspartic acid, which is acidic and polar, at codon 41 of the WNT4 protein (p.Glu41Asp). This variant is present in population databases (rs746248932, gnomAD 0.0009%). This variant has not been reported in the literature in individuals affected with WNT4-related conditions. Advanced modeling of protein sequence and biophysical properties (such as structural, functional, and spatial information, amino acid conservation, physicochemical variation, residue mobility, and thermodynamic stability) performed at Invitae indicates that this missense variant is not expected to disrupt WNT4 protein function with a negative predictive value of 80%. In summary, the available evidence is currently insufficient to determine the role of this variant in disease. Therefore, it has been classified as a Variant of Uncertain Significance.

NM_030761.5(WNT4):c.123G>T (p.Glu41Asp)

Gene: WNT4 (Wnt family member 4; minus strand). Cytogenetic location: 1p36.12.
Variant type: single nucleotide variant.
Coding change: c.123G>T on transcript NM_030761.5 (MANE Select); coding-DNA position 123, G replaced by T.
Protein change: p.Glu41Asp; replaces glutamic acid 41 with aspartic acid.
Molecular consequence: missense variant.
Genome position (GRCh38, 1-based): chr1:22,129,806, C>A on the plus strand (G>T on the coding strand, the complement: WNT4 is on the minus strand). VCF-style: chr1-22129806-C-A. GRCh37 (hg19) VCF-style: chr1-22456299-C-A.
Other names: short protein forms E41D.
Identifiers: ClinVar variation 3615805 (VCV003615805.2).